The following is an entry in ClinVar:

ClinVar aggregate classification (germline): Benign/Likely benign. Review status: criteria provided, multiple submitters, no conflicts (2 of 4 stars). 11 submissions from 11 submitters: Benign (1); Likely benign (8). 2 of the submissions do not count toward it. Last evaluated 2026-01-16.

Conditions:
Spastic paraplegia. Identifiers: MedGen C0037772, HP:0001258.
Huppke-Brendel syndrome. Also called: ACETYL-CoA TRANSPORTER DEFICIENCY; Congenital cataract-hearing loss-severe developmental delay syndrome. Identifiers: Orphanet 300313, MedGen C4751114, MONDO:0013772, OMIM 614482.
Hereditary spastic paraplegia 42. Also called: SPASTIC PARAPLEGIA 42, AUTOSOMAL DOMINANT. Identifiers: Orphanet 171863, MedGen C2675528, MONDO:0012928, OMIM 612539.
Hereditary spastic paraplegia. Also called: Familial spastic paraparesis. Identifiers: Orphanet 685, MedGen C0037773, MONDO:0019064. Disease mechanism: loss of function.
SLC33A1-related disorder. Also called: SLC33A1-related condition.

Allele frequency attached by ClinVar (database versions not stated): 1000 Genomes Project 30x 0.00094; 1000 Genomes Project 0.00100; ExAC 0.00165; gnomAD exomes 0.00175; gnomAD 0.00181 and 0.00190; TOPMed 0.00193; ESP Exome Variant Server 0.00215.

Submissions (11):

Labcorp Genetics (formerly Invitae), Labcorp
Classification: Likely benign for Spastic paraplegia. Last evaluated: 2026-01-16. Review status: criteria provided, single submitter. Criteria: Invitae Variant Classification Sherloc (09022015). Collection method: clinical testing. Allele origin: germline.

Athena Diagnostics
Classification: Likely benign. Last evaluated: 2025-07-16. Review status: criteria provided, single submitter. Criteria: Athena Diagnostics Criteria. Collection method: clinical testing. Allele origin: unknown.
Comment: The frequency of this variant in the general population is higher than would generally be expected for pathogenic variants in this gene.

PreventionGenetics, part of Exact Sciences
Classification: Likely benign for SLC33A1-related condition. Last evaluated: 2025-07-04. Review status: criteria provided, single submitter. Criteria: ACMG Guidelines, 2015. Collection method: clinical testing. Allele origin: germline.
Comment: This variant is classified as likely benign based on ACMG/AMP sequence variant interpretation guidelines (Richards et al. 2015 PMID: 25741868, with internal and published modifications).

CeGaT Center for Human Genetics Tuebingen
Classification: Likely benign. Last evaluated: 2025-07-01. Review status: criteria provided, single submitter. Criteria: CeGaT Center For Human Genetics Tuebingen Variant Classification Criteria Version 2. Collection method: clinical testing. Allele origin: germline. Affected: yes. Observed: 3 variant alleles.
Comment: SLC33A1: BP4, BS1

Blueprint Genetics
Classification: Likely benign. Last evaluated: 2024-11-08. Review status: criteria provided, single submitter. Criteria: ACMG Guidelines, 2015. Collection method: clinical testing. Allele origin: germline.

Fulgent Genetics
Classification: Likely benign for Hereditary spastic paraplegia 42; Huppke-Brendel syndrome. Last evaluated: 2021-12-08. Review status: criteria provided, single submitter. Criteria: ACMG Guidelines, 2015. Collection method: clinical testing. Allele origin: unknown.

GeneDx
Classification: Benign. Last evaluated: 2021-06-16. Review status: criteria provided, single submitter. Criteria: GeneDx Variant Classification Process June 2021. Collection method: clinical testing. Allele origin: germline. Affected: yes.
Comment: This variant is associated with the following publications: (PMID: 31227335)

Genome Diagnostics Laboratory, The Hospital for Sick Children
Classification: Likely benign for Hereditary spastic paraplegia. Last evaluated: 2020-11-03. Review status: criteria provided, single submitter. Criteria: ACMG Guidelines, 2015. Collection method: clinical testing. Allele origin: germline. Affected: yes.

Breakthrough Genomics
Classification: Likely benign. Review status: criteria provided, single submitter. Criteria: ACMG Guidelines, 2015. Collection method: not provided. Allele origin: germline. Inheritance: Autosomal recessive inheritance. Affected: yes.

Clinical Genetics DNA and cytogenetics Diagnostics Lab, Erasmus MC, Erasmus Medical Center
Classification: Likely benign. Review status: no assertion criteria provided. Collection method: clinical testing. Allele origin: germline. Affected: yes. Study: VKGL Data-share Consensus. Not counted in ClinVar's aggregate classification.

Laboratory of Diagnostic Genome Analysis, Leiden University Medical Center (LUMC)
Classification: Likely benign. Review status: no assertion criteria provided. Collection method: clinical testing. Allele origin: germline. Affected: yes. Study: VKGL Data-share Consensus. Not counted in ClinVar's aggregate classification.

Literature cited by the submitters: PubMed 36797467 (cited by Athena Diagnostics).

NM_004733.4(SLC33A1):c.1451A>C (p.Asn484Thr)

Gene: SLC33A1 (solute carrier family 33 member 1; minus strand). Cytogenetic location: 3q25.31.
Variant type: single nucleotide variant.
Coding change: c.1451A>C on transcript NM_004733.4 (MANE Select); coding-DNA position 1451, A replaced by C.
Protein change: p.Asn484Thr; replaces asparagine 484 with threonine.
Molecular consequence: missense variant.
Genome position (GRCh38, 1-based): chr3:155,829,719, T>G on the plus strand (A>C on the coding strand, the complement: SLC33A1 is on the minus strand). VCF-style: chr3-155829719-T-G. GRCh37 (hg19) VCF-style: chr3-155547508-T-G.
Other names: c.1451A>C, p.Asn484Thr (NM_001190992.2); c.1145A>C, p.Asn382Thr (NM_001363883.1); short protein forms N484T, N382T.
Identifiers: ClinVar variation 343875 (VCV000343875.44), dbSNP rs144015992, ClinGen allele CA2677238.
Genomic context (GRCh38, chr3:155,829,719, plus strand): 5'-AATGTTATCTAAAATTAAAACATACTTACCTCAACAGCATCAGGTGTTCGACAATTCTGG[T>G]TTGATGCTCCTACACACTCTTTTACTGTGAGGGGATCTACAAGCCAAAGAGCTACTGTAG-3'
Protein context (NP_004724.1, residues 474-494): LTVKECVGAS[Asn484Thr]QNCRTPDAVE